The following is an entry in ClinVar:

NM_198525.3(KIF7):c.3642_3653del (p.Asn1215_Gly1218del)

Genes: KIF7 (kinesin family member 7; minus strand), LOC126862216 (BRD4-independent group 4 enhancer GRCh37_chr15:90171995-90173194; plus strand). Cytogenetic location: 15q26.1.
Variant type: Deletion.
Coding change: c.3642_3653del on transcript NM_198525.3 (MANE Select); coding-DNA positions 3642 to 3653, 12 bases deleted (GAACGCTGTAGG).
Protein change: p.Asn1215_Gly1218del.
Genome position (GRCh38, 1-based): chr15:89,628,987-89,628,998, CCTACAGCGTTC deleted on the plus strand (GAACGCTGTAGG on the coding strand, the reverse complement: KIF7 is on the minus strand). VCF-style (leftmost placement, unchanged base first): chr15-89628986-GCCTACAGCGTTC-G. GRCh37 (hg19) VCF-style: chr15-90172217-GCCTACAGCGTTC-G.
Identifiers: ClinVar variation 3774223 (VCV003774223.1).

ClinVar aggregate classification (germline): Uncertain significance (1 of 4 stars; one submission).

Submission:

GeneDx
Classification: Uncertain significance. Last evaluated: 2024-09-22. Review status: criteria provided, single submitter. Criteria: GeneDx Variant Classification Process June 2021. Collection method: clinical testing. Allele origin: germline. Affected: yes.
Comment: Not observed at significant frequency in large population cohorts (gnomAD); In-frame deletion of 4 amino acids in a non-repeat region; In silico analysis indicates that this variant does not alter protein structure/function; Has not been previously published as pathogenic or benign to our knowledge